The following is an entry in ClinVar:

NM_020180.4(CELF4):c.332C>G (p.Ala111Gly)

Gene: CELF4 (CUGBP Elav-like family member 4; minus strand). Cytogenetic location: 18q12.2.
Variant type: single nucleotide variant.
Coding change: c.332C>G on transcript NM_020180.4 (MANE Select); coding-DNA position 332, C replaced by G.
Protein change: p.Ala111Gly; replaces alanine 111 with glycine.
Molecular consequence: missense variant. On other transcripts: 5 prime UTR variant (6), non-coding transcript variant (11).
Genome position (GRCh38, 1-based): chr18:37,485,562, G>C on the plus strand (C>G on the coding strand, the complement: CELF4 is on the minus strand). VCF-style: chr18-37485562-G-C. GRCh37 (hg19) VCF-style: chr18-35065525-G-C.
Other names: c.332C>G, p.Ala111Gly (NM_001025089.2, NM_001330603.2, NM_001353695.2 and 60 more transcripts); c.-38C>G (NM_001353756.2, NM_001353757.2, NM_001353758.2 and 3 more transcripts); short protein forms A111G.
Identifiers: ClinVar variation 4868711 (VCV004868711.1).

ClinVar aggregate classification (germline): Uncertain significance (1 of 4 stars; one submission).

Submission:

Ambry Genetics
Classification: Uncertain significance. Last evaluated: 2026-06-04. Review status: criteria provided, single submitter. Criteria: Ambry Variant Classification Scheme 2023. Collection method: clinical testing. Allele origin: germline.
Comment: The c.332C>G (p.A111G) alteration is located in exon 2 (coding exon 2) of the CELF4 gene. This alteration results from a C to G substitution at nucleotide position 332, causing the alanine (A) at amino acid position 111 to be replaced by a glycine (G). This variant was not reported in population-based cohorts in the Genome Aggregation Database (gnomAD). This amino acid position is highly conserved in available vertebrate species. This missense variant is located in a region that has a low rate of benign missense variation (Lek, 2016; Firth, 2009). The in silico prediction for this alteration is inconclusive. Based on insufficient or conflicting evidence, the clinical significance of this alteration remains unclear.